The following is an entry in ClinVar:

ClinVar aggregate classification (germline): Uncertain significance (1 of 4 stars; one submission).

Conditions:
Long QT syndrome (LQTS). Identifiers: MedGen C0023976, MeSH D008133, MONDO:0002442. Disease mechanism: loss of function. Inheritance: Various modes of inheritance.

Submission:

Labcorp Genetics (formerly Invitae), Labcorp
Classification: Uncertain significance for Long QT syndrome. Last evaluated: 2021-11-05. Review status: criteria provided, single submitter. Criteria: Invitae Variant Classification Sherloc (09022015). Collection method: clinical testing. Allele origin: germline.
Comment: Algorithms developed to predict the effect of missense changes on protein structure and function are either unavailable or do not agree on the potential impact of this missense change (SIFT: "Tolerated"; PolyPhen-2: "Possibly Damaging"; Align-GVGD: "Class C0"). This variant has not been reported in the literature in individuals affected with ANK2-related conditions. This variant is not present in population databases (gnomAD no frequency). This sequence change replaces asparagine, which is neutral and polar, with aspartic acid, which is acidic and polar, at codon 58 of the ANK2 protein (p.Asn58Asp). In summary, the available evidence is currently insufficient to determine the role of this variant in disease. Therefore, it has been classified as a Variant of Uncertain Significance.

NM_001148.6(ANK2):c.172A>G (p.Asn58Asp)

Gene: ANK2 (ankyrin 2; plus strand). Cytogenetic location: 4q25.
Variant type: single nucleotide variant.
Coding change: c.172A>G on transcript NM_001148.6 (MANE Select); coding-DNA position 172, A replaced by G.
Protein change: p.Asn58Asp; replaces asparagine 58 with aspartic acid.
Molecular consequence: missense variant.
Genome position (GRCh38, 1-based): chr4:113,174,503, A>G. VCF-style: chr4-113174503-A-G. GRCh37 (hg19) VCF-style: chr4-114095659-A-G.
Other names: c.109A>G, p.Asn37Asp (NM_001386156.1, NM_001386157.1, NM_001127493.3 and 33 more transcripts); c.172A>G, p.Asn58Asp (NM_001354225.2, NM_001354228.2, NM_001354232.2 and 9 more transcripts); c.217A>G, p.Asn73Asp (NM_001354230.2, NM_001354231.2, NM_001354237.2 and 5 more transcripts); c.154A>G, p.Asn52Asp (NM_001354261.2, NM_001386147.1, NM_001386160.1); c.160A>G, p.Asn54Asp (NM_001354269.3, NM_001386148.2, NM_001386186.2 and 1 more transcripts); c.223A>G, p.Asn75Asp (NM_001386174.1, NM_001386175.1); short protein forms N37D, N54D, N58D, N73D, N52D, N75D.
Identifiers: ClinVar variation 1352824 (VCV001352824.6), dbSNP rs2153225176, ClinGen allele CA357993028.